The following is an entry in ClinVar:

ClinVar aggregate classification (germline): Uncertain significance. Review status: criteria provided, multiple submitters, no conflicts (2 of 4 stars). 2 submissions from 2 submitters: Uncertain significance (2). Last evaluated 2025-07-17.

Conditions:
Hereditary cancer-predisposing syndrome. Also called: Neoplastic Syndromes, Hereditary; Tumor predisposition; Hereditary Cancer Syndrome; Hereditary neoplastic syndrome. Identifiers: Orphanet 140162, MedGen C0027672, MeSH D009386, MONDO:0015356.
Ataxia-telangiectasia syndrome (AT). Also called: ATAXIA-TELANGIECTASIA, COMPLEMENTATION GROUP A; ATAXIA-TELANGIECTASIA, FRESNO VARIANT; Ataxia-telangiectasia; Ataxia-telangiectasia, complementation group D; AT, COMPLEMENTATION GROUP C; Ataxia-telangiectasia, complementation group E. Identifiers: Orphanet 100, MedGen C0004135, MONDO:0008840, OMIM 208900.

Allele frequency attached by ClinVar (database versions not stated): gnomAD exomes below 0.00001; ExAC 0.00001.
gnomAD v4.1: 1 of 1,601,060 alleles (0.000062%); highest among the groups gnomAD compares: African/African-American, 0.0013%; no homozygotes.

Submissions (2):

Labcorp Genetics (formerly Invitae), Labcorp
Classification: Uncertain significance for Ataxia-telangiectasia syndrome. Last evaluated: 2025-07-17. Review status: criteria provided, single submitter. Criteria: Invitae Variant Classification Sherloc (09022015). Collection method: clinical testing. Allele origin: germline.
Comment: This sequence change falls in intron 9 of the ATM gene. It does not directly change the encoded amino acid sequence of the ATM protein. It affects a nucleotide within the consensus splice site. This variant is present in population databases (rs763976313, gnomAD 0.007%). This variant has not been reported in the literature in individuals affected with ATM-related conditions. ClinVar contains an entry for this variant (Variation ID: 524348). Variants that disrupt the consensus splice site are a relatively common cause of aberrant splicing (PMID: 17576681, 9536098). Algorithms developed to predict the effect of sequence changes on RNA splicing suggest that this variant is not likely to affect RNA splicing. In summary, the available evidence is currently insufficient to determine the role of this variant in disease. Therefore, it has been classified as a Variant of Uncertain Significance.

Ambry Genetics
Classification: Uncertain significance for Hereditary cancer-predisposing syndrome. Last evaluated: 2023-06-23. Review status: criteria provided, single submitter. Criteria: Ambry Variant Classification Scheme 2023. Collection method: clinical testing. Allele origin: germline.
Comment: The c.1236-3T>A intronic variant results from a T to A substitution 3 nucleotides upstream from coding exon 9 in the ATM gene. This nucleotide position is not well conserved in available vertebrate species. In silico splice site analysis for this alteration is inconclusive. Since supporting evidence is limited at this time, the clinical significance of this alteration remains unclear.

Literature cited by the submitters: PubMed 17576681 (cited by Labcorp Genetics (formerly Invitae), Labcorp); PubMed 9536098 (cited by Labcorp Genetics (formerly Invitae), Labcorp).

NM_000051.4(ATM):c.1236-3T>A

Gene: ATM (ATM serine/threonine kinase; plus strand). Cytogenetic location: 11q22.3.
Variant type: single nucleotide variant.
Coding change: c.1236-3T>A on transcript NM_000051.4 (MANE Select); 3 bases into the intron before coding-DNA position 1236, T replaced by A.
Molecular consequence: intron variant.
Genome position (GRCh38, 1-based): chr11:108,250,698, T>A. VCF-style: chr11-108250698-T-A. GRCh37 (hg19) VCF-style: chr11-108121425-T-A.
Other names: c.1236-3T>A (NM_001351834.2).
Identifiers: ClinVar variation 524348 (VCV000524348.9), dbSNP rs763976313, ClinGen allele CA6264789.
Genomic context (GRCh38, chr11:108,250,698, plus strand): 5'-TTTCCTTTTAGTTTGTTAATGTGATGGAATAGTTTTCAAATTATCCTTTTTTTTTTTTTT[T>A]AGGCTACAGATTGCAACCCAATTAATATCAAAGTATCCTGCAAGTTTACCTAACTGTGAG-3'